The following is an entry in ClinVar:

NM_006361.6(HOXB13):c.551G>A (p.Cys184Tyr)

Gene: HOXB13 (homeobox B13; minus strand). Cytogenetic location: 17q21.32.
Variant type: single nucleotide variant.
Coding change: c.551G>A on transcript NM_006361.6 (MANE Select); coding-DNA position 551, G replaced by A.
Protein change: p.Cys184Tyr; replaces cysteine 184 with tyrosine.
Molecular consequence: missense variant.
Genome position (GRCh38, 1-based): chr17:48,728,043, C>T on the plus strand (G>A on the coding strand, the complement: HOXB13 is on the minus strand). VCF-style: chr17-48728043-C-T. GRCh37 (hg19) VCF-style: chr17-46805405-C-T.
Other names: c.551G>A (NM_006361.5); short protein forms C184Y.
Identifiers: ClinVar variation 1496795 (VCV001496795.10), dbSNP rs1185239661, ClinGen allele CA400107207.

ClinVar aggregate classification (germline): Uncertain significance. Review status: criteria provided, multiple submitters, no conflicts (2 of 4 stars). 2 submissions from 2 submitters: Uncertain significance (2). Last evaluated 2025-09-10.

Conditions:
Hereditary cancer-predisposing syndrome. Also called: Tumor predisposition; Hereditary neoplastic syndrome; Neoplastic Syndromes, Hereditary; Hereditary Cancer Syndrome. Identifiers: Orphanet 140162, MedGen C0027672, MeSH D009386, MONDO:0015356.

Submissions (2):

Labcorp Genetics (formerly Invitae), Labcorp
Classification: Uncertain significance. Last evaluated: 2025-09-10. Review status: criteria provided, single submitter. Criteria: Invitae Variant Classification Sherloc (09022015). Collection method: clinical testing. Allele origin: germline.
Comment: This sequence change replaces cysteine, which is neutral and slightly polar, with tyrosine, which is neutral and polar, at codon 184 of the HOXB13 protein (p.Cys184Tyr). This variant is not present in population databases (gnomAD no frequency). This variant has not been reported in the literature in individuals affected with HOXB13-related conditions. ClinVar contains an entry for this variant (Variation ID: 1496795). Invitae Evidence Modeling of protein sequence and biophysical properties (such as structural, functional, and spatial information, amino acid conservation, physicochemical variation, residue mobility, and thermodynamic stability) indicates that this missense variant is not expected to disrupt HOXB13 protein function with a negative predictive value of 80%. In summary, the available evidence is currently insufficient to determine the role of this variant in disease. Therefore, it has been classified as a Variant of Uncertain Significance.

Ambry Genetics
Classification: Uncertain significance for Hereditary cancer-predisposing syndrome. Last evaluated: 2023-06-04. Review status: criteria provided, single submitter. Criteria: Ambry Variant Classification Scheme 2023. Collection method: clinical testing. Allele origin: germline.
Comment: The p.C184Y variant (also known as c.551G>A), located in coding exon 1 of the HOXB13 gene, results from a G to A substitution at nucleotide position 551. The cysteine at codon 184 is replaced by tyrosine, an amino acid with highly dissimilar properties. This amino acid position is conserved. In addition, this alteration is predicted to be deleterious by in silico analysis. Since supporting evidence is limited at this time, the clinical significance of this alteration remains unclear.